The following is an entry in ClinVar:

ClinVar aggregate classification (germline): Uncertain significance (1 of 4 stars; one submission).

Conditions:
Birt-Hogg-Dube syndrome. Also called: Birt Hogg Dubé syndrome. Identifiers: Orphanet 122, MedGen C0346010, MONDO:0800444.

Submission:

Labcorp Genetics (formerly Invitae), Labcorp
Classification: Uncertain significance for Birt-Hogg-Dube syndrome. Last evaluated: 2025-02-23. Review status: criteria provided, single submitter. Criteria: Invitae Variant Classification Sherloc (09022015). Collection method: clinical testing. Allele origin: germline.
Comment: This sequence change replaces glutamine, which is neutral and polar, with histidine, which is basic and polar, at codon 458 of the FLCN protein (p.Gln458His). This variant is not present in population databases (gnomAD no frequency). This variant has not been reported in the literature in individuals affected with FLCN-related conditions. Invitae Evidence Modeling of protein sequence and biophysical properties (such as structural, functional, and spatial information, amino acid conservation, physicochemical variation, residue mobility, and thermodynamic stability) indicates that this missense variant is not expected to disrupt FLCN protein function with a negative predictive value of 80%. In summary, the available evidence is currently insufficient to determine the role of this variant in disease. Therefore, it has been classified as a Variant of Uncertain Significance.

NM_144997.7(FLCN):c.1374G>T (p.Gln458His)

Gene: FLCN (folliculin; minus strand). Cytogenetic location: 17p11.2.
Variant type: single nucleotide variant.
Coding change: c.1374G>T on transcript NM_144997.7 (MANE Select); coding-DNA position 1374, G replaced by T.
Protein change: p.Gln458His; replaces glutamine 458 with histidine.
Molecular consequence: missense variant.
Genome position (GRCh38, 1-based): chr17:17,215,243, C>A on the plus strand (G>T on the coding strand, the complement: FLCN is on the minus strand). VCF-style: chr17-17215243-C-A. GRCh37 (hg19) VCF-style: chr17-17118557-C-A.
Other names: c.1428G>T, p.Gln476His (NM_001353229.2); c.1374G>T, p.Gln458His (NM_001353230.2, NM_001353231.2); short protein forms Q458H, Q476H.
Identifiers: ClinVar variation 3665100 (VCV003665100.2).